The following is an entry in ClinVar:

NM_001048174.2(MUTYH):c.1504G>C (p.Asp502His)

Gene: MUTYH (mutY DNA glycosylase; minus strand). Cytogenetic location: 1p34.1.
Variant type: single nucleotide variant.
Coding change: c.1504G>C on transcript NM_001048174.2 (MANE Select); coding-DNA position 1504, G replaced by C.
Protein change: p.Asp502His; replaces aspartic acid 502 with histidine.
Molecular consequence: missense variant. On other transcripts: non-coding transcript variant (2).
Genome position (GRCh38, 1-based): chr1:45,329,368, C>G on the plus strand (G>C on the coding strand, the complement: MUTYH is on the minus strand). VCF-style: chr1-45329368-C-G. GRCh37 (hg19) VCF-style: chr1-45795040-C-G.
Other names: c.1504G>C, p.Asp502His (NM_001048171.2, NM_001048173.2, NM_001293195.2); c.1507G>C, p.Asp503His (NM_001048172.2); c.1588G>C, p.Asp530His (NM_001128425.2); c.1549G>C, p.Asp517His (NM_001293190.2); c.1537G>C, p.Asp513His (NM_001293191.2); c.1228G>C, p.Asp410His (NM_001293192.2, NM_001293196.2); c.1159G>C, p.Asp387His (NM_001350650.2, NM_001350651.2); c.1579G>C, p.Asp527His (NM_012222.3); short protein forms D530H, D516H, D387H, D410H, D527H, D502H, D513H, D503H.
Identifiers: ClinVar variation 186948 (VCV000186948.21), dbSNP rs147923905, ClinGen allele CA013114.

ClinVar aggregate classification (germline): Conflicting classifications of pathogenicity. Review status: criteria provided, conflicting classifications (1 of 4 stars). 6 submissions from 6 submitters: Uncertain significance (4); Likely benign (1). 1 of the submissions does not count toward it. Last evaluated 2026-01-19.

Conditions:
Hereditary cancer-predisposing syndrome. Also called: Neoplastic Syndromes, Hereditary; Tumor predisposition; Hereditary Cancer Syndrome; Hereditary neoplastic syndrome. Identifiers: Orphanet 140162, MedGen C0027672, MeSH D009386, MONDO:0015356.
Familial adenomatous polyposis 2. Also called: Adenomas, multiple colorectal; COLORECTAL ADENOMATOUS POLYPOSIS, AUTOSOMAL RECESSIVE; ADENOMAS, MULTIPLE COLORECTAL, AUTOSOMAL RECESSIVE; MYH-associated polyposis; MUTYH Polyposis; FAP type 2. Identifiers: Orphanet 220460, Orphanet 247798, MedGen C3272841, MONDO:0012041, OMIM 608456.

Submissions (6):

Labcorp Genetics (formerly Invitae), Labcorp
Classification: Uncertain significance for Familial adenomatous polyposis 2. Last evaluated: 2026-01-19. Review status: criteria provided, single submitter. Criteria: Invitae Variant Classification Sherloc (09022015). Collection method: clinical testing. Allele origin: germline.
Comment: This sequence change replaces aspartic acid, which is acidic and polar, with histidine, which is basic and polar, at codon 530 of the MUTYH protein (p.Asp530His). This variant is present in population databases (rs147923905, gnomAD 0.01%). This variant has not been reported in the literature in individuals affected with MUTYH-related conditions. ClinVar contains an entry for this variant (Variation ID: 186948). An algorithm developed to predict the effect of missense changes on protein structure and function (PolyPhen-2) suggests that this variant is likely to be disruptive. In summary, the available evidence is currently insufficient to determine the role of this variant in disease. Therefore, it has been classified as a Variant of Uncertain Significance.

Ambry Genetics
Classification: Likely benign for Hereditary cancer-predisposing syndrome. Last evaluated: 2025-08-28. Review status: criteria provided, single submitter. Criteria: Ambry Variant Classification Scheme 2023. Collection method: clinical testing. Allele origin: germline.

Baylor Genetics
Classification: Uncertain significance for Familial adenomatous polyposis 2. Last evaluated: 2022-03-24. Review status: criteria provided, single submitter. Criteria: ACMG Guidelines, 2015. Collection method: clinical testing. Allele origin: unknown.

GeneDx
Classification: Uncertain significance. Last evaluated: 2022-01-27. Review status: criteria provided, single submitter. Criteria: GeneDx Variant Classification Process June 2021. Collection method: clinical testing. Allele origin: germline. Affected: yes.
Comment: Not observed at significant frequency in large population cohorts (gnomAD); In silico analysis supports that this missense variant does not alter protein structure/function; Has not been previously published as pathogenic or benign to our knowledge; This variant is associated with the following publications: (PMID: 11092888, 23108399)

Color Diagnostics, LLC DBA Color Health
Classification: Uncertain significance for Hereditary cancer-predisposing syndrome. Last evaluated: 2019-06-30. Review status: criteria provided, single submitter. Criteria: ACMG Guidelines, 2015. Collection method: clinical testing. Allele origin: germline.

Counsyl
Classification: Uncertain significance for Familial adenomatous polyposis 2. Last evaluated: 2016-10-26. Review status: no assertion criteria provided. Collection method: clinical testing. Allele origin: unknown. Not counted in ClinVar's aggregate classification.

Literature cited by the submitters: PubMed 40738107 (cited by Ambry Genetics).